The following is an entry in ClinVar:

ClinVar aggregate classification (germline): Likely pathogenic (1 of 4 stars; one submission).

Conditions:
PHIP-related disorder. Also called: PHIP-related disorders; PHIP-related condition.

Submission:

PreventionGenetics, part of Exact Sciences
Classification: Likely pathogenic for PHIP-related condition. Last evaluated: 2025-06-23. Review status: criteria provided, single submitter. Criteria: ACMG Guidelines, 2015. Collection method: clinical testing. Allele origin: germline.
Comment: The PHIP c.41-1G>C variant is predicted to disrupt the AG splice acceptor site and interfere with normal splicing. This variant is predicted to disrupt a canonical splice acceptor site and impact splicing (SpliceAI, Jaganathan et al. 2019. PubMed ID: 30661751). To our knowledge, this variant has not been reported in the literature or in a large population database (gnomAD), indicating this variant is rare. Variants that disrupt the consensus splice acceptor site in PHIP are expected to be pathogenic. This variant is interpreted as likely pathogenic.

NM_017934.7(PHIP):c.41-1G>C

Gene: PHIP (PHIP subunit of CUL4-Ring ligase complex; minus strand). Cytogenetic location: 6q14.1.
Variant type: single nucleotide variant.
Coding change: c.41-1G>C on transcript NM_017934.7 (MANE Select); the canonical splice acceptor site of the intron before coding-DNA position 41, G replaced by C.
Molecular consequence: splice acceptor variant.
Genome position (GRCh38, 1-based): chr6:79,077,914, C>G on the plus strand (G>C on the coding strand, the complement: PHIP is on the minus strand). VCF-style: chr6-79077914-C-G. GRCh37 (hg19) VCF-style: chr6-79787631-C-G.
Identifiers: ClinVar variation 5001438 (VCV005001438.1).